The following is an entry in ClinVar:

ClinVar aggregate classification (germline): Uncertain significance (1 of 4 stars; one submission).

Submission:

Women's Health and Genetics/Laboratory Corporation of America, LabCorp
Classification: Uncertain significance. Last evaluated: 2026-01-05. Review status: criteria provided, single submitter. Criteria: LabCorp Variant Classification Summary - May 2015. Collection method: clinical testing. Allele origin: germline.
Comment: Variant summary: COL4A2 c.1309_1311delinsGCG (p.Pro437Ala) results in a non-conservative amino acid change in the encoded protein sequence. Algorithms developed to predict the effect of missense changes on protein structure and function are either unavailable or do not agree on the potential impact of this missense change. The variant allele was found at a frequency of 2.1e-05 in 279950 control chromosomes. The available data on variant occurrences in the general population are insufficient to allow any conclusion about variant significance. To our knowledge, no occurrence of c.1309_1311delinsGCG in individuals affected with COL4A2-related conditions and no experimental evidence demonstrating its impact on protein function have been reported. No submitters have cited clinical-significance assessments for this variant to ClinVar. Based on the evidence outlined above, the variant was classified as uncertain significance.

NM_001846.4(COL4A2):c.1309_1311delinsGCG (p.Pro437Ala)

Gene: COL4A2 (collagen type IV alpha 2 chain; plus strand). Cytogenetic location: 13q34.
Variant type: Indel.
Coding change: c.1309_1311delinsGCG on transcript NM_001846.4 (MANE Select); coding-DNA positions 1309 to 1311, CCC replaced by GCG.
Protein change: p.Pro437Ala; replaces proline 437 with alanine.
Molecular consequence: missense variant.
Genome position (GRCh38, 1-based): chr13:110,450,424-110,450,426, CCC replaced by GCG. VCF-style: chr13-110450424-CCC-GCG. GRCh37 (hg19) VCF-style: chr13-111102771-CCC-GCG.
Other names: short protein forms P437A.
Identifiers: ClinVar variation 4689647 (VCV004689647.1).
Genomic context (GRCh38, chr13:110,450,424, plus strand): 5'-ATCCCTGCGCTCTACGGGGGCCCACCTGGACCTGATGGAAAGCGAGGGCCTCCAGGACCC[CCC>GCG]GGGCTCCCTGGACCACCTGGACCTGATGGTGAGTGGAGGGAAACAAAAGGGAGGGTGTAG-3'
Protein context (NP_001837.2, residues 427-447): PDGKRGPPGP[Pro437Ala]GLPGPPGPDG